The following is an entry in ClinVar:

NM_006031.6(PCNT):c.5963C>G (p.Ala1988Gly)

Gene: PCNT (pericentrin; plus strand). Cytogenetic location: 21q22.3.
Variant type: single nucleotide variant.
Coding change: c.5963C>G on transcript NM_006031.6 (MANE Select); coding-DNA position 5963, C replaced by G.
Protein change: p.Ala1988Gly; replaces alanine 1988 with glycine.
Molecular consequence: missense variant.
Genome position (GRCh38, 1-based): chr21:46,412,036, C>G. VCF-style: chr21-46412036-C-G. GRCh37 (hg19) VCF-style: chr21-47831950-C-G.
Other names: c.5609C>G, p.Ala1870Gly (NM_001315529.2); short protein forms A1988G, A1870G.
Identifiers: ClinVar variation 4982396 (VCV004982396.1).
Genomic context (GRCh38, chr21:46,412,036, plus strand): 5'-CTCGCATGGATGGTGGCGCCAAGGCCCAGGTCACCGGCGACGTGGAGGCCTCCCATGATG[C>G]TGCTTTGGAGCCGGTTGTCCCTGACCCACAGGTGGGCTCCCCCCGCGGGCCATGGCAGGG-3'
Protein context (NP_006022.3, residues 1978-1998): VTGDVEASHD[Ala1988Gly]ALEPVVPDPQ

ClinVar aggregate classification (germline): Uncertain significance (1 of 4 stars; one submission).

Conditions:
PCNT-related disorder. Also called: PCNT-related condition.

gnomAD v4.1: 1 of 1,608,208 alleles (0.000062%); highest among the groups gnomAD compares: Non-Finnish European, 0.000085%; no homozygotes.

Submission:

PreventionGenetics, part of Exact Sciences
Classification: Uncertain significance for PCNT-related condition. Last evaluated: 2026-07-31. Review status: criteria provided, single submitter. Criteria: ACMG Guidelines, 2015. Collection method: clinical testing. Allele origin: germline.
Comment: The PCNT c.5963C>G variant is predicted to result in the amino acid substitution p.Ala1988Gly. To our knowledge, this variant has not been reported in the literature or in a large population database (gnomAD), indicating this variant is rare. At this time, the clinical significance of this variant is uncertain due to the absence of conclusive functional and genetic evidence.